The following is an entry in ClinVar:

ClinVar aggregate classification (germline): Likely benign (1 of 4 stars; one submission).

Conditions:
REST-related disorder. Also called: REST-related condition.

Submission:

PreventionGenetics, part of Exact Sciences
Classification: Likely benign for REST-related condition. Last evaluated: 2026-01-20. Review status: criteria provided, single submitter. Criteria: ACMG Guidelines, 2015. Collection method: clinical testing. Allele origin: germline.
Comment: This variant is classified as likely benign based on ACMG/AMP sequence variant interpretation guidelines (Richards et al. 2015 PMID: 25741868, with internal and published modifications).

NM_005612.5(REST):c.-9-1G>T

Gene: REST (RE1 silencing transcription factor; plus strand). Cytogenetic location: 4q12.
Variant type: single nucleotide variant.
Coding change: c.-9-1G>T on transcript NM_005612.5 (MANE Select); the canonical splice acceptor site of the intron before 9 bases upstream of the start codon, G replaced by T.
Molecular consequence: splice acceptor variant.
Genome position (GRCh38, 1-based): chr4:56,910,629, G>T. VCF-style: chr4-56910629-G-T. GRCh37 (hg19) VCF-style: chr4-57776795-G-T.
Other names: c.-9-1G>T (NM_001440532.1, NM_001363453.3, NM_001193508.2 and 1 more transcripts).
Identifiers: ClinVar variation 4990362 (VCV004990362.1).